The following continues an entry in ClinVar:

NM_130837.3(OPA1):c.2873_2876del

Gene: OPA1. ClinVar aggregate classification (germline): Pathogenic/Likely pathogenic. Pathogenic (32); Likely pathogenic (2).

Submissions 10 to 19 of 42:

Ambry Genetics
Classification: Pathogenic for Inborn genetic diseases. Last evaluated: 2025-08-26. Review status: criteria provided, single submitter. Criteria: Ambry Variant Classification Scheme 2023. Collection method: clinical testing. Allele origin: germline.
Comment: The c.2708_2711delTTAG (p.V903Gfs*3) alteration, located in exon 27 (coding exon 27) of the OPA1 gene, consists of a deletion of 4 nucleotides from position 2708 to 2711, causing a translational frameshift with a predicted alternate stop codon after 3 amino acids. Loss-of-function variants are expected to result in loss of function by premature protein truncation or nonsense-mediated mRNA decay. However, a resulting transcript is predicted to be in-frame and is not expected to trigger nonsense-mediated mRNA decay, although direct evidence is unavailable. The exact functional effect of this variant is unknown. for autosomal dominant OPA1-related optic atrophy and autosomal recessive Behr syndrome; however, its clinical significance for autosomal dominant OPA1-related optic atrophy plus syndrome is uncertain. Based on data from gnomAD, this allele has an overall frequency of 0.004% (10/282600) total alleles studied. The highest observed frequency was 0.006% (8/129006) of European (non-Finnish) alleles. This variant was reported in individual(s) with features consistent with OPA1-related optic atrophy (Weisschuh, 2021; Han, 2022; Zhang, 2023). This variant has also been identified in the homozygous state and/or in conjunction with other OPA1 variant(s) in individual(s) with features consistent with Behr syndrome; in at least one instance, the variants were identified in trans (Schaaf, 2011). An animal model expressing this variant exhibited phenotype(s) consistent with OPA1-related disease (Sarzi, 2012; Affortit, 2024). Based on the available evidence, this alteration is classified as pathogenic.

North West Genomic Laboratory Hub, Manchester University NHS Foundation Trust
Classification: Pathogenic for Retinal disorders. Last evaluated: 2025-04-22. Review status: criteria provided, single submitter. Criteria: ACGS Best Practice Guidelines for Variant Classification in Rare Disease 2024. Collection method: clinical testing. Allele origin: germline. Affected: yes.
Comment: PP1_Str PS4_Str PVS1_VStr

Variantyx, Inc.
Classification: Pathogenic for Optic atrophy with or without deafness, ophthalmoplegia, myopathy, ataxia, and neuropathy. Last evaluated: 2025-03-14. Review status: criteria provided, single submitter. Criteria: Variantyx Assertion Criteria 2022. Collection method: clinical testing. Allele origin: germline. Affected: yes.
Comment: This is a frameshift variant in the OPA1 gene (OMIM: 605290). Pathogenic variants in this gene have been associated with autosomal dominant optic atrophy plus syndrome. This variant introduces a premature termination codon in exon 29 out of 31. It is expected to result in loss of function, which is a known disease mechanism for OPA1 in this disorder (PMID: 20157015, 20952381, 23250881) (PVS1). This variant is the most common OPA1 pathogenic variant in several populations (PMID: 20952381, 28848318, 11017079, 34242285) (PS4). This variant has been observed to segregate with disease in at least 8 individuals from 5 families (PMID: 15505825, 11017079) (PP1_Strong). This variant has a 0.0056% maximum allele frequency in non-founder control populations. Based on the current evidence, this variant is classified as pathogenic for autosomal dominant optic atrophy plus syndrome.

Victorian Clinical Genetics Services, Murdoch Childrens Research Institute
Classification: Pathogenic for Autosomal dominant optic atrophy classic form. Last evaluated: 2024-12-22. Review status: criteria provided, single submitter. Criteria: ACMG Guidelines, 2015. Collection method: clinical testing. Allele origin: germline. Affected: yes.
Comment: This variant is classified as Pathogenic. Evidence in support of pathogenic classification: Variant is predicted to cause nonsense-mediated decay (NMD) and loss of protein (premature termination codon is located at least 54 nucleotides upstream of the final exon-exon junction); Variant is present in gnomAD <0.01 (v4: 38 heterozygote(s), 0 homozygote(s)) ; This variant has strong previous evidence of pathogenicity in unrelated individuals. This variant has been classified as likely pathogenic or pathogenic by multiple clinical diagnostic laboratories (ClinVar) and is regarded as a pathogenic variant in GeneReviews. While this variant has primarily been reported in individuals with autosomal dominant optic atropy, it has also been reported as compound heterozygous in two siblings with Behr syndrome (PMID: 21636302, OMIM). The father of the siblings who is heterozygous for the variant was diagnosed with mild optic atrophy and bilateral sensorineural hearing loss (PMID: 21636302); This variant has strong functional evidence supporting abnormal protein function. Skin fibroblasts from affected individuals heterozygous for this variant demonstrated reduced OPA1 protein levels and abnormal mitochondrial morphology and fusion compared to control fibroblasts (PMID: 18222991). Additional information: This variant is heterozygous; This gene is associated with both recessive and dominant disease. Truncating variants and mutations in the C-terminal domain are associated with dominant optic atrophy. Individuals carrying missense variants are clustered within the GTPase domain, generally develop optic atrophy plus syndrome. Lastly, biallelic variants have been associated with early-onset Behr syndrome (PMIDs: 31500643, 28494813, 25012220, 30165240); Loss of function is a known mechanism of disease in this gene and is associated with OPA1-related conditions (OMIM); The condition associated with this gene has incomplete penetrance (PMID: 17306754). In addition, this variant has been specifically reported to have a penetrance ranging from 43-62% (PMID: 11440989).

Blueprint Genetics
Classification: Pathogenic for OPA1-related disorders. Last evaluated: 2024-11-08. Review status: criteria provided, single submitter. Criteria: ACMG Guidelines, 2015. Collection method: clinical testing. Allele origin: germline. Affected: yes. Observed: 5 variant alleles.

Dubai Health Genomic Medicine Center, Dubai Health
Classification: Pathogenic for Optic atrophy plus syndrome. Last evaluated: 2024-10-04. Review status: criteria provided, single submitter. Criteria: ACMG Guidelines, 2015. Collection method: research. Allele origin: germline. Affected: yes.
Comment: PVS1, PM3_Strong, PS3, PM2

Mayo Clinic Laboratories, Mayo Clinic
Classification: Pathogenic. Last evaluated: 2024-08-27. Review status: criteria provided, single submitter. Criteria: ACMG Guidelines, 2015. Collection method: clinical testing. Allele origin: germline.
Comment: PP1, PM2_moderate, PS4, PVS1

Fulgent Genetics
Classification: Pathogenic for Optic atrophy with or without deafness, ophthalmoplegia, myopathy, ataxia, and neuropathy; Autosomal dominant optic atrophy classic form; Abortive cerebellar ataxia; Glaucoma, normal tension, susceptibility to; Mitochondrial DNA depletion syndrome 14B (cardioencephalomyopathic type). Last evaluated: 2024-06-11. Review status: criteria provided, single submitter. Criteria: ACMG Guidelines, 2015. Collection method: clinical testing. Allele origin: germline.

Athena Diagnostics
Classification: Pathogenic. Last evaluated: 2024-05-03. Review status: criteria provided, single submitter. Criteria: Athena Diagnostics Criteria. Collection method: clinical testing. Allele origin: unknown.
Comment: This variant is expected to result in the loss of a functional protein. This variant is one of the most common pathogenic variants associated with autosomal dominant optic atrophy (ADOA; PMID: 11440989, 22857269) and therefore the frequency of this variant in the general population is consistent with pathogenicity ((Genome Aggregation Database (gnomAD), Cambridge, MA (URL)). This variant has been reported to exhibit reduced penetrance (PMID: 11440989). Assessment of experimental evidence suggests this variant results in abnormal protein function. (PMID: 18222991)

New York Genome Center
Classification: Pathogenic for Autosomal dominant optic atrophy classic form; Optic atrophy with or without deafness, ophthalmoplegia, myopathy, ataxia, and neuropathy. Last evaluated: 2024-05-02. Review status: criteria provided, single submitter. Criteria: NYGC Assertion Criteria 2020. Collection method: clinical testing. Allele origin: germline. Observed: 1 variant allele, 1 heterozygote.
Comment: The c.2873_2876del variant in OPA1 has previously been reported as mutational hotspot in multiple unrelated individuals with OPA1-related disorders and found to be co-segregating with disease in affected individuals with incomplete penetrance (PMID: 11440989, 14961560, 20417570, 25012220, 21646330, 33884488, 35273349, 34242285, 32025183). The c.2873_2876del has been deposited in ClinVar [ClinVar ID: 5082] as Likely Pathogenic/Pathogenic by multiple times with affected status provided by some submitters. The c.2873_2876del variant is observed in 38 alleles (~0.002% minor allele frequency with 0 homozygote) on gnomAD v4.1.0, suggesting it is not a common benign variant in the populations represented in that dataset, which might also include affected individuals. The c.2873_2876del variant in OPA1 is located in exon 29 of this 31-exon gene (also represented as exon 27 of 29 in isoform 1 transcript in literature (NM_015560.3: c.2708_2711del, p.Val903Glyfs*3)), predicted to cause a shift in the open reading frame and incorporation of a premature termination codon ((p.(Val958Glyfs*3)), and is expected to result in either loss-of-function via nonsense mediated decay or loss of the last 55 amino acids. In vivo functional studies demonstrated visual failure, retinal degeneration, and multi-systemic poly-degenerative phenotypes in knock-in mice models (Opa1+/- delTTAG) carrying this c.2873_2876del variant [PMID: 23250881, 27260406]. Based on available evidence, this heterozygous c.2873_2876del, p.(Val958Glyfs*3) variant identified in OPA1 is classified as Pathogenic.